The following is an entry in ClinVar:

NM_001267550.2(TTN):c.19933A>G (p.Thr6645Ala)

Genes: TTN (titin; minus strand), LOC126806429 (BRD4-independent group 4 enhancer GRCh37_chr2:179591393-179592592; plus strand). Cytogenetic location: 2q31.2.
Variant type: single nucleotide variant.
Coding change: c.19933A>G on transcript NM_001267550.2 (MANE Select); coding-DNA position 19933, A replaced by G.
Protein change: p.Thr6645Ala; replaces threonine 6645 with alanine.
Molecular consequence: missense variant. On other transcripts: intron variant (3).
Genome position (GRCh38, 1-based): chr2:178,727,645, T>C on the plus strand (A>G on the coding strand, the complement: TTN is on the minus strand). VCF-style: chr2-178727645-T-C. GRCh37 (hg19) VCF-style: chr2-179592372-T-C.
Other names: c.18982A>G, p.Thr6328Ala (NM_001256850.1); c.16201A>G, p.Thr5401Ala (NM_133378.4); c.13282+10437A>G (NM_003319.4); c.13858+10437A>G (NM_133437.4); c.13657+10437A>G (NM_133432.3); short protein forms T6645A, T5401A, T6328A.
Identifiers: ClinVar variation 220702 (VCV000220702.26), dbSNP rs370671112, ClinGen allele CA348520.
Genomic context (GRCh38, chr2:178,727,645, plus strand): 5'-CTGTCACAAGCAACATCGTAGTACAAGAGTCGCTACCAACATCATTGGTAACATGGCAAG[T>C]ATACTGTCCAGTCTTAGAAGCATCCACTGAGTAGAGATTTAAGAAGCTAGTCGACCCTTC-3'
Protein context (NP_001254479.2, residues 6635-6655): SVDASKTGQY[Thr6645Ala]CHVTNDVGSD

ClinVar aggregate classification (germline): Uncertain significance. Review status: criteria provided, multiple submitters, no conflicts (2 of 4 stars). 3 submissions from 3 submitters: Uncertain significance (3). Last evaluated 2026-06-11.

Conditions:
TTN-related disorder. Also called: TTN-related condition; TTN-related disease; TTN-related disorders.
Autosomal recessive limb-girdle muscular dystrophy type 2J (LGMDR10). Also called: Limb-girdle muscular dystrophy, type 2J; MUSCULAR DYSTROPHY, LIMB-GIRDLE, AUTOSOMAL RECESSIVE 10. Identifiers: Orphanet 140922, MedGen C1837342, MONDO:0012127, OMIM 608807.
Dilated cardiomyopathy 1G (CMD1G). Identifiers: Orphanet 154, MedGen C1858763, MONDO:0011400, OMIM 604145.

Allele frequency attached by ClinVar (database versions not stated): gnomAD exomes 0.00002; gnomAD 0.00003; TOPMed 0.00003; ESP Exome Variant Server 0.00008.
gnomAD v4.1: 38 of 1,608,120 alleles (0.0024%); highest among the groups gnomAD compares: Non-Finnish European, 0.0031%; no homozygotes.

Submissions (3):

PreventionGenetics, part of Exact Sciences
Classification: Uncertain significance for TTN-related condition. Last evaluated: 2026-06-11. Review status: criteria provided, single submitter. Criteria: ACMG Guidelines, 2015. Collection method: clinical testing. Allele origin: germline.
Comment: The TTN c.19933A>G variant is predicted to result in the amino acid substitution p.Thr6645Ala. To our knowledge, this variant has not been reported in the literature. This variant is reported in 0.0047% of alleles in individuals of European (Non-Finnish) descent in gnomAD. At this time, the clinical significance of this variant is uncertain due to the absence of conclusive functional and genetic evidence.

CeGaT Center for Human Genetics Tuebingen
Classification: Uncertain significance. Last evaluated: 2024-01-01. Review status: criteria provided, single submitter. Criteria: CeGaT Center For Human Genetics Tuebingen Variant Classification Criteria Version 2. Collection method: clinical testing. Allele origin: germline. Affected: yes. Observed: 1 variant allele.
Comment: TTN: PM2, BP4

Labcorp Genetics (formerly Invitae), Labcorp
Classification: Uncertain significance for Dilated cardiomyopathy 1G; Autosomal recessive limb-girdle muscular dystrophy type 2J. Last evaluated: 2015-10-21. Review status: criteria provided, single submitter. Criteria: Invitae Variant Classification Sherloc (09022015). Collection method: clinical testing. Allele origin: germline.